The following is an entry in ClinVar:

ClinVar aggregate classification (germline): Uncertain significance (1 of 4 stars; one submission).

Allele frequency attached by ClinVar (database versions not stated): gnomAD exomes below 0.00001.

Submission:

Labcorp Genetics (formerly Invitae), Labcorp
Classification: Uncertain significance. Last evaluated: 2022-09-23. Review status: criteria provided, single submitter. Criteria: Invitae Variant Classification Sherloc (09022015). Collection method: clinical testing. Allele origin: germline.
Comment: This sequence change affects codon 1241 of the FLNB mRNA. It is a 'silent' change, meaning that it does not change the encoded amino acid sequence of the FLNB protein. It affects a nucleotide within the consensus splice site. This variant is present in population databases (no rsID available, gnomAD 0.003%). This variant has not been reported in the literature in individuals affected with FLNB-related conditions. Algorithms developed to predict the effect of sequence changes on RNA splicing suggest that this variant is not likely to affect RNA splicing. In summary, the available evidence is currently insufficient to determine the role of this variant in disease. Therefore, it has been classified as a Variant of Uncertain Significance.

NM_001457.4(FLNB):c.3723A>G (p.Lys1241=)

Gene: FLNB (filamin B; plus strand). Cytogenetic location: 3p14.3.
Variant type: single nucleotide variant.
Coding change: c.3723A>G on transcript NM_001457.4 (MANE Select); coding-DNA position 3723, A replaced by G.
Protein change: p.Lys1241=; no amino-acid change (lysine 1241 retained).
Molecular consequence: synonymous variant.
Genome position (GRCh38, 1-based): chr3:58,123,689, A>G. VCF-style: chr3-58123689-A-G. GRCh37 (hg19) VCF-style: chr3-58109416-A-G.
Other names: c.3723A>G, p.Lys1241= (NM_001164317.2, NM_001164318.2, NM_001164319.2).
Identifiers: ClinVar variation 1947500 (VCV001947500.5), dbSNP rs1194444214, ClinGen allele CA434038076.
Genomic context (GRCh38, chr3:58,123,689, plus strand): 5'-GGTGGAGCCCGCCGTGGACACCAGCAGGATCAAAGTCTTTGGACCAGGAATAGAAGGGAA[A>G]GGTGGGTTTCATTTAAAAAAAAAAAAAAAAAAAAAAAGACAAGCTGGGACTTAAGGGCTA-3'
Protein context (NP_001448.2, residues 1231-1251): IKVFGPGIEG[Lys1241=]DVFREATTDF